The following is an entry in ClinVar:

ClinVar aggregate classification (germline): Likely benign (0 of 4 stars; one submission).

Conditions:
DLGAP1-related disorder. Also called: DLGAP1-related condition.

Allele frequency attached by ClinVar (database versions not stated): TOPMed 0.00006; gnomAD exomes 0.00024; ExAC 0.00042; gnomAD 0.00050.
gnomAD v4.1: 428 of 1,609,228 alleles (0.027%); highest among the groups gnomAD compares: Non-Finnish European, 0.0077%; no homozygotes.

Submission:

PreventionGenetics, part of Exact Sciences
Classification: Likely benign for DLGAP1-related condition. Last evaluated: 2019-08-21. Review status: no assertion criteria provided. Collection method: clinical testing. Allele origin: germline.
Comment: This variant is classified as likely benign based on ACMG/AMP sequence variant interpretation guidelines (Richards et al. 2015 PMID: 25741868, with internal and published modifications).

NM_004746.4(DLGAP1):c.57C>A (p.Ala19=)

Genes: DLGAP1 (DLG associated protein 1; minus strand), DLGAP1-AS3 (DLGAP1 antisense RNA 3; plus strand). Cytogenetic location: 18p11.31.
Variant type: single nucleotide variant.
Coding change: c.57C>A on transcript NM_004746.4 (MANE Select); coding-DNA position 57, C replaced by A.
Protein change: p.Ala19=; no amino-acid change (alanine 19 retained).
Molecular consequence: synonymous variant.
Genome position (GRCh38, 1-based): chr18:3,880,012, G>T on the plus strand (C>A on the coding strand, the complement: DLGAP1 is on the minus strand). VCF-style: chr18-3880012-G-T. GRCh37 (hg19) VCF-style: chr18-3880012-G-T.
Other names: c.57C>A, p.Ala19= (NM_001242761.2, NM_001398525.1, NM_001398526.1 and 2 more transcripts).
Identifiers: ClinVar variation 3053483 (VCV003053483.2), dbSNP rs772737666, ClinGen allele CA8876820.